The following is an entry in ClinVar:

NM_000138.5(FBN1):c.4364T>G (p.Ile1455Ser)

Gene: FBN1 (fibrillin 1; minus strand). Cytogenetic location: 15q21.1.
Variant type: single nucleotide variant.
Coding change: c.4364T>G on transcript NM_000138.5 (MANE Select); coding-DNA position 4364, T replaced by G.
Protein change: p.Ile1455Ser; replaces isoleucine 1455 with serine.
Molecular consequence: missense variant.
Genome position (GRCh38, 1-based): chr15:48,470,729, A>C on the plus strand (T>G on the coding strand, the complement: FBN1 is on the minus strand). VCF-style: chr15-48470729-A-C. GRCh37 (hg19) VCF-style: chr15-48762926-A-C.
Other names: short protein forms I1455S.
Identifiers: ClinVar variation 42359 (VCV000042359.15), dbSNP rs397515807, ClinGen allele CA014996.

ClinVar aggregate classification (germline): Uncertain significance. Review status: criteria provided, multiple submitters, no conflicts (2 of 4 stars). 5 submissions from 5 submitters: Uncertain significance (5). Last evaluated 2024-10-28.

Conditions:
Marfan syndrome (MFS). Also called: FBN1-Related Marfan Syndrome; Marfan syndrome, classic; MARFAN SYNDROME, TYPE I; Marfan syndrome type 1; Marfan's syndrome. Identifiers: Orphanet 284963, Orphanet 558, MedGen C0024796, MONDO:0007947, OMIM 154700.
Familial thoracic aortic aneurysm and aortic dissection (TAAD). Also called: Thoracic aortic aneurysms and dissections. Identifiers: Orphanet 91387, MedGen C4707243, MONDO:0019625.

Allele frequency attached by ClinVar (database versions not stated): gnomAD exomes below 0.00001.
gnomAD v4.1: 5 of 1,614,056 alleles (0.00031%); highest among the groups gnomAD compares: Admixed American, 0.0017%; no homozygotes.

Submissions (5):

Labcorp Genetics (formerly Invitae), Labcorp
Classification: Uncertain significance for Marfan syndrome; Familial thoracic aortic aneurysm and aortic dissection. Last evaluated: 2024-10-28. Review status: criteria provided, single submitter. Criteria: Invitae Variant Classification Sherloc (09022015). Collection method: clinical testing. Allele origin: germline.
Comment: This sequence change replaces isoleucine, which is neutral and non-polar, with serine, which is neutral and polar, at codon 1455 of the FBN1 protein (p.Ile1455Ser). This variant is present in population databases (rs397515807, gnomAD 0.003%). This missense change has been observed in individual(s) with clinical features of FBN1-related conditions (PMID: 24793577; internal data). ClinVar contains an entry for this variant (Variation ID: 42359). Invitae Evidence Modeling of protein sequence and biophysical properties (such as structural, functional, and spatial information, amino acid conservation, physicochemical variation, residue mobility, and thermodynamic stability) indicates that this missense variant is expected to disrupt FBN1 protein function with a positive predictive value of 95%. Algorithms developed to predict the effect of sequence changes on RNA splicing suggest that this variant may create or strengthen a splice site. In summary, the available evidence is currently insufficient to determine the role of this variant in disease. Therefore, it has been classified as a Variant of Uncertain Significance.

GeneDx
Classification: Uncertain significance. Last evaluated: 2023-10-20. Review status: criteria provided, single submitter. Criteria: GeneDx Variant Classification Process June 2021. Collection method: clinical testing. Allele origin: germline. Affected: yes.
Comment: Not observed at significant frequency in large population cohorts (gnomAD); In silico analysis supports that this missense variant has a deleterious effect on protein structure/function; In silico analysis supports a deleterious effect on splicing; Although located in a calcium-binding EGF-like domain of the FBN1 gene, it does not affect a cysteine residue within this domain; cysteine substitutions in the calcium-binding EGF-like domains represent the majority of pathogenic missense changes associated with FBN1-related disorders (Collod-Beroud et al., 2003); Reported in a patient with suspected Marfan syndrome in published literature (Lerner-Ellis et al., 2014); This variant is associated with the following publications: (PMID: 24793577)

All of Us Research Program, National Institutes of Health
Classification: Uncertain significance for Marfan syndrome. Last evaluated: 2023-06-27. Review status: criteria provided, single submitter. Criteria: ACMG Guidelines, 2015. Collection method: clinical testing. Allele origin: germline. Inheritance: Autosomal dominant inheritance. Observed: 2 variant alleles, 2 heterozygotes.
Comment: This missense variant replaces isoleucine with serine at codon 1455 of the FBN1 protein. Computational prediction suggests that this variant may have deleterious impact on protein structure and function (internally defined REVEL score threshold >= 0.7, PMID: 27666373). Splice site prediction tools suggest that this variant may impact RNA splicing. To our knowledge, functional studies have not been reported for this variant. This variant has been reported in an individual suspected of having Marfan syndrome (PMID: 24793577). This variant has been identified in 1/251286 chromosomes in the general population by the Genome Aggregation Database (gnomAD). The available evidence is insufficient to determine the role of this variant in disease conclusively. Therefore, this variant is classified as a Variant of Uncertain Significance.

This study involves interpretation of variants in research participants for the purpose of population health screening. Participant phenotype was not available at the time of variant classification. Additional details can be found in publication PMID: 35346344, PMCID: PMC8962531

Color Diagnostics, LLC DBA Color Health
Classification: Uncertain significance for Familial thoracic aortic aneurysm and aortic dissection. Last evaluated: 2023-06-01. Review status: criteria provided, single submitter. Criteria: ACMG Guidelines, 2015. Collection method: clinical testing. Allele origin: germline.
Comment: This missense variant replaces isoleucine with serine at codon 1455 of the FBN1 protein. Computational prediction suggests that this variant may have deleterious impact on protein structure and function (internally defined REVEL score threshold >= 0.7, PMID: 27666373). Splice site prediction tools suggest that this variant may impact RNA splicing. To our knowledge, functional studies have not been reported for this variant. This variant has been reported in an individual suspected of having Marfan syndrome (PMID: 24793577). This variant has been identified in 1/251286 chromosomes in the general population by the Genome Aggregation Database (gnomAD). The available evidence is insufficient to determine the role of this variant in disease conclusively. Therefore, this variant is classified as a Variant of Uncertain Significance.

Laboratory for Molecular Medicine, Mass General Brigham Personalized Medicine
Classification: Uncertain significance. Last evaluated: 2023-04-28. Review status: criteria provided, single submitter. Criteria: ACMG Guidelines, 2015. Collection method: clinical testing. Allele origin: germline.
Comment: The p.Ile1455Ser (c.4364T>G) variant in FBN1 has been reported in 1 individual with aortic dilatation (Lerner-Ellis 2014 PMID: 24793577) and was identified in three relatives with some clinical Marfan features, which do not meet Ghent criteria, and one asymptomatic relative. It was absent from gnomAD. This variant has also been reported in ClinVar (Variation ID 42359). Computational prediction tools and conservation analyses suggest that this variant may impact the protein, though this information is not predictive enough to determine pathogenicity. In summary, the clinical significance of this variant is uncertain. ACMG/AMP Criteria applied: PM2_Supporting, PP3.

Literature cited by the submitters: PubMed 24793577 (cited by 3 submitters).